The following is an entry in ClinVar:

ClinVar aggregate classification (germline): Uncertain significance (1 of 4 stars; one submission).

Submission:

Labcorp Genetics (formerly Invitae), Labcorp
Classification: Uncertain significance. Last evaluated: 2022-06-25. Review status: criteria provided, single submitter. Criteria: Invitae Variant Classification Sherloc (09022015). Collection method: clinical testing. Allele origin: germline.
Comment: In summary, the available evidence is currently insufficient to determine the role of this variant in disease. Therefore, it has been classified as a Variant of Uncertain Significance. Algorithms developed to predict the effect of missense changes on protein structure and function output the following: SIFT: "Not Available"; PolyPhen-2: "Benign"; Align-GVGD: "Not Available". The serine amino acid residue is found in multiple mammalian species, which suggests that this missense change does not adversely affect protein function. This variant has not been reported in the literature in individuals affected with LOX-related conditions. This variant is not present in population databases (gnomAD no frequency). This sequence change replaces glycine, which is neutral and non-polar, with serine, which is neutral and polar, at codon 206 of the LOX protein (p.Gly206Ser).

NM_002317.7(LOX):c.616G>A (p.Gly206Ser)

Genes: LOX (lysyl oxidase; minus strand), SRFBP1 (serum response factor binding protein 1; plus strand). Cytogenetic location: 5q23.1.
Variant type: single nucleotide variant.
Coding change: c.616G>A on transcript NM_002317.7 (MANE Select); coding-DNA position 616, G replaced by A.
Protein change: p.Gly206Ser; replaces glycine 206 with serine.
Molecular consequence: missense variant.
Genome position (GRCh38, 1-based): chr5:122,077,370, C>T on the plus strand (G>A on the coding strand, the complement: LOX is on the minus strand). VCF-style: chr5-122077370-C-T. GRCh37 (hg19) VCF-style: chr5-121413065-C-T.
Other names: short protein forms G206S.
Identifiers: ClinVar variation 2010724 (VCV002010724.4), dbSNP rs2532916214, ClinGen allele CA360875381.
Genomic context (GRCh38, chr5:122,077,370, plus strand): 5'-GGGACCAGGTGCACGGGTGCTTCCAGCGGACTTGGGGGTACTTACCGTACTGGAAGTAGC[C>T]AGTGCCGTATCCGGGCCGGTACCTGCCCCCAGGTCTGGGCCTTTCATAAGTATCGTAGTA-3'
Protein context (NP_002308.2, residues 196-216): GGRYRPGYGT[Gly206Ser]YFQYGLPDLV